The following is an entry in ClinVar:

ClinVar aggregate classification (germline): Conflicting classifications of pathogenicity. Review status: criteria provided, conflicting classifications (1 of 4 stars). 3 submissions from 3 submitters: Likely pathogenic (1); Uncertain significance (2). Last evaluated 2026-07-13.

Conditions:
Congenital myotonia, autosomal dominant form (THD). Also called: THOMSEN DISEASE; Myotonia congenita autosomal dominant. Identifiers: Orphanet 614, MedGen C2936781, MONDO:0008055, OMIM 160800.
Congenital myotonia, autosomal recessive form. Also called: BECKER DISEASE; myotonia congenita, autosomal recessive; Becker Generalized Myotonia. Identifiers: Orphanet 614, MedGen C0751360, MONDO:0009715, OMIM 255700.
Skeletal muscle channelopathy.

Allele frequency attached by ClinVar (database versions not stated): gnomAD exomes 0.00002.
gnomAD v4.1: 23 of 1,614,000 alleles (0.0014%); highest among the groups gnomAD compares: Non-Finnish European, 0.0019%; no homozygotes.

Submissions (3):

Genetics Laboratory, Great Ormond Street Hospital NHS Foundation Trust, North Thames Genomic Laboratory Hub
Classification: Likely pathogenic for Skeletal muscle channelopathy. Last evaluated: 2026-07-13. Review status: criteria provided, single submitter. Criteria: ACGS Best Practice Guidelines for Variant Classification in Rare Disease 2024 v1.2. Collection method: clinical testing. Allele origin: germline. Affected: yes.
Comment: PM2_moderate, PP3_supporting, PM3_strong

Clinical Omics and Informatics (COIN) Unit, Neuroscience Institute, University Of Cape Town
Classification: Uncertain significance for Congenital myotonia, autosomal recessive form. Last evaluated: 2025-03-05. Review status: criteria provided, single submitter. Criteria: ACMG Guidelines, 2015. Collection method: research. Allele origin: germline. Inheritance: Autosomal recessive inheritance. Affected: yes.
Comment: PM2_supporting: this variant is absent from gnomAD v2.1.1 and v3.1.2 (adequate coverage >20X confirmed) and an internal database. PP3 met: Does not meet criteria for evaluation under PVS1. SpliceAI score â‰¥ 0.2. SQUIRLS score is 1.0. The variant creates an AG dinucleotide in the AG exclusion zone of the canonical acceptor site. SQUIRLS predicts that the variant creates a cryptic acceptor site at 7:143,351,584 which would lead to the addition of 10 bases to the coding sequence, i.e. an out of frame consequence for exon 23 as the variant is in intron 22. At least 3 other pathogenic LOF variants in exon 23 have been identified in patients with AR myotonia congenita. PM3 met (1.5 points total): variant found together with pathogenic p.Phe307Ser variant in proband under assessment with phase unknown- 0.5 points. Arg421Cys and c.2596-11 C>G found in two unrelated probands with autosomal recessive myotonia congenita (PMID 28662944, 23810313)- 0.5 points each. PS4 not met as probands scored under PM3. Sequencing funded by the International Centre for Genomic Medicine in Neuromuscular Diseases (ICGNMD).

Labcorp Genetics (formerly Invitae), Labcorp
Classification: Uncertain significance for Congenital myotonia, autosomal recessive form; Congenital myotonia, autosomal dominant form. Last evaluated: 2021-10-20. Review status: criteria provided, single submitter. Criteria: Invitae Variant Classification Sherloc (09022015). Collection method: clinical testing. Allele origin: germline.
Comment: This sequence change falls in intron 22 of the CLCN1 gene. It does not directly change the encoded amino acid sequence of the CLCN1 protein. This variant is not present in population databases (ExAC no frequency). This variant has been observed in individual(s) with autosomal recessive myotonia congenita (PMID: 23810313). Algorithms developed to predict the effect of sequence changes on RNA splicing suggest that this variant may create or strengthen a splice site. In summary, the available evidence is currently insufficient to determine the role of this variant in disease. Therefore, it has been classified as a Variant of Uncertain Significance.

Literature cited by the submitters: PubMed 28662944 (cited by Clinical Omics and Informatics (COIN) Unit, Neuroscience Institute, University Of Cape Town); PubMed 23810313 (cited by Clinical Omics and Informatics (COIN) Unit, Neuroscience Institute, University Of Cape Town and Labcorp Genetics (formerly Invitae), Labcorp).

NM_000083.3(CLCN1):c.2596-11C>G

Gene: CLCN1 (chloride voltage-gated channel 1; plus strand). Cytogenetic location: 7q34.
Variant type: single nucleotide variant.
Coding change: c.2596-11C>G on transcript NM_000083.3 (MANE Select); 11 bases into the intron before coding-DNA position 2596, C replaced by G.
Molecular consequence: intron variant.
Genome position (GRCh38, 1-based): chr7:143,351,583, C>G. VCF-style: chr7-143351583-C-G. GRCh37 (hg19) VCF-style: chr7-143048676-C-G.
Identifiers: ClinVar variation 1405641 (VCV001405641.5), dbSNP rs2116400965, ClinGen allele CA2573141808.